The following is an entry in ClinVar:

NM_020778.5(ALPK3):c.553T>G (p.Leu185Val)

Gene: ALPK3 (alpha kinase 3; plus strand). Cytogenetic location: 15q25.3.
Variant type: single nucleotide variant.
Coding change: c.553T>G on transcript NM_020778.5 (MANE Select); coding-DNA position 553, T replaced by G.
Protein change: p.Leu185Val; replaces leucine 185 with valine.
Molecular consequence: missense variant.
Genome position (GRCh38, 1-based): chr15:84,839,832, T>G. VCF-style: chr15-84839832-T-G. GRCh37 (hg19) VCF-style: chr15-85383063-T-G.
Other names: short protein forms L185V.
Identifiers: ClinVar variation 3370580 (VCV003370580.1).

ClinVar aggregate classification (germline): Uncertain significance (1 of 4 stars; one submission).

Submission:

GeneDx
Classification: Uncertain significance. Last evaluated: 2024-03-08. Review status: criteria provided, single submitter. Criteria: GeneDx Variant Classification Process June 2021. Collection method: clinical testing. Allele origin: germline. Affected: yes.
Comment: Not observed at significant frequency in large population cohorts (gnomAD); In silico analysis supports that this missense variant does not alter protein structure/function; Has not been previously published as pathogenic or benign to our knowledge